The following is an entry in ClinVar:

ClinVar aggregate classification (germline): Pathogenic (1 of 4 stars; one submission).

Conditions:
Bardet-Biedl syndrome 2 (BBS2). Identifiers: Orphanet 110, MedGen C2936863, MONDO:0014432, OMIM 615981.

Submission:

Daryl Scott Lab, Baylor College of Medicine
Classification: Pathogenic for Bardet-Biedl syndrome 2. Last evaluated: 2024-01-01. Review status: criteria provided, single submitter. Criteria: ACMG Guidelines, 2015. Collection method: clinical testing. Allele origin: maternal. Observed: 1 heterozygote.
Comment: PVS1, PM2

NM_031885.5(BBS2):c.1197del (p.His399fs)

Gene: BBS2 (Bardet-Biedl syndrome 2; minus strand). Cytogenetic location: 16q13.
Variant type: Deletion.
Coding change: c.1197del on transcript NM_031885.5 (MANE Select); coding-DNA position 1197, one base deleted (T; older notation c.1197delT).
Protein change: p.His399fs; shifts the reading frame from histidine 399.
Molecular consequence: frameshift variant. On other transcripts: non-coding transcript variant (5).
Genome position (GRCh38, 1-based): chr16:56,501,381, A deleted on the plus strand (T on the coding strand, the reverse complement: BBS2 is on the minus strand). VCF-style (leftmost placement, unchanged base first): chr16-56501380-TA-T. GRCh37 (hg19) VCF-style: chr16-56535292-TA-T.
Other names: c.1197del, p.His399fs (NM_001377456.1); short protein forms H399fs.
Identifiers: ClinVar variation 3764608 (VCV003764608.1).